The following is an entry in ClinVar:

NM_000350.3(ABCA4):c.5371dup (p.Ala1791fs)

Gene: ABCA4 (ATP binding cassette subfamily A member 4; minus strand). Cytogenetic location: 1p22.1.
Variant type: Duplication.
Coding change: c.5371dup on transcript NM_000350.3 (MANE Select); coding-DNA position 5371, one base duplicated (G; older notation c.5371dupG).
Protein change: p.Ala1791fs; shifts the reading frame from alanine 1791.
Molecular consequence: frameshift variant.
Genome position (GRCh38, 1-based): chr1:94,014,632, C duplicated on the plus strand (G on the coding strand, the reverse complement: ABCA4 is on the minus strand). VCF-style (leftmost placement, unchanged base first): chr1-94014631-G-GC. GRCh37 (hg19) VCF-style: chr1-94480187-G-GC.
Other names: NM_000350.3(ABCA4):c.5371dup; p.Ala1791fs; c.5149dup, p.Ala1717Glyfs (NM_001425324.1); short protein forms A1791fs.
Identifiers: ClinVar variation 2585325 (VCV002585325.4), dbSNP rs2523668736, ClinGen allele CA2573335086.

ClinVar aggregate classification (germline): Pathogenic. Review status: reviewed by expert panel (3 of 4 stars). 3 submissions from 3 submitters: Pathogenic (1). 2 of the submissions do not count toward it. Last evaluated 2025-12-05.

Conditions:
ABCA4-related retinopathy. Also called: ABCA4 retinoapthy; ABCA4-related retinoapthy. Identifiers: MedGen CN322612, MONDO:0800406.
Severe early-childhood-onset retinal dystrophy (STGD1). Also called: Stargardt macular dystrophy; Juvenile onset macular degeneration; Stargardt disease 1; MACULAR DYSTROPHY WITH FLECKS, TYPE 1; STGD. Identifiers: Orphanet 364055, Orphanet 827, MedGen C1855465, MeSH D000080362, MONDO:0009549, OMIM 248200.

Submissions (3):

ClinGen ABCA4 Variant Curation Expert Panel, Clingen
Classification: Pathogenic for ABCA4-related retinopathy. Last evaluated: 2025-12-05. Review status: reviewed by expert panel. Criteria: ClinGen ABCA4 ACMG Specifications V1.0.0. Collection method: curation. Allele origin: germline. Inheritance: Autosomal recessive inheritance.
Comment: The NM_000350.3:c.5371dup (p.Ala1791GlyfsTer9) variant in ABCA4 is a frameshift variant predicted to cause a premature stop codon in biologically-relevant exon 38/50 leading to nonsense mediated decay in a gene in which loss-of-function is an established disease mechanism (PVS1). This variant is absent from gnomAD v4.1.0 (PM2_Supporting). This variant has been detected in at least one individual with ABCA4-related retinopathy. This individual was compound heterozygous for the variant and a pathogenic variant (c.5882G>A; p.Gly1961Glu) presumed to be in trans by NGS targeted gene panel testing (PM3_Supporting; PMID: 31816670). In summary, this variant meets the criteria to be classified as pathogenic for ABCA4-related retinopathy based on the ACMG/AMP criteria applied, as specified by the ClinGen ABCA4 VCEP (Specification Version 1): PVS1, PM3_Supporting, PM2_Supporting.

Labcorp Genetics (formerly Invitae), Labcorp
Classification: Pathogenic. Last evaluated: 2024-05-13. Review status: criteria provided, single submitter. Criteria: Invitae Variant Classification Sherloc (09022015). Collection method: clinical testing. Allele origin: germline. Not counted in ClinVar's aggregate classification.
Comment: This sequence change creates a premature translational stop signal (p.Ala1791Glyfs*9) in the ABCA4 gene. It is expected to result in an absent or disrupted protein product. Loss-of-function variants in ABCA4 are known to be pathogenic (PMID: 10958761, 24938718, 25312043, 26780318). This variant is not present in population databases (gnomAD no frequency). This variant has not been reported in the literature in individuals affected with ABCA4-related conditions. ClinVar contains an entry for this variant (Variation ID: 2585325). Algorithms developed to predict the effect of sequence changes on RNA splicing suggest that this variant may disrupt the consensus splice site. For these reasons, this variant has been classified as Pathogenic.

Neuberg Centre For Genomic Medicine, NCGM
Classification: Likely pathogenic for Severe early-childhood-onset retinal dystrophy. Review status: criteria provided, single submitter. Criteria: ACMG Guidelines, 2015. Collection method: clinical testing. Allele origin: germline. Inheritance: Autosomal recessive inheritance. Affected: yes. Not counted in ClinVar's aggregate classification.
Comment: The frameshift variant c.5371dup (p.Ala1791GlyfsTer9) in ABCA4 gene has not been reported previously as a pathogenic variant nor as a benign variant, to our knowledge. The p.Ala1791GlyfsTer9 variant is novel (not in any individuals) in gnomAD Exomes and 1000 Genomes. This variant causes a frameshift starting with codon Alanine 1791, changes this amino acid to Glycine residue, and creates a premature Stop codon at position 9 of the new reading frame, denoted p.Ala1791GlyfsTer9. This variant is predicted to cause loss of normal protein function through protein truncation. Loss of function variants have been previously reported to be disease causing. For these reasons, this variant has been classified as Likely Pathogenic.

Literature cited by the submitters: PubMed 10958761 (cited by Labcorp Genetics (formerly Invitae), Labcorp); PubMed 24938718 (cited by Labcorp Genetics (formerly Invitae), Labcorp); PubMed 25312043 (cited by Labcorp Genetics (formerly Invitae), Labcorp); PubMed 26780318 (cited by Labcorp Genetics (formerly Invitae), Labcorp).